The following is an entry in ClinVar:

ClinVar aggregate classification (germline): Likely pathogenic (1 of 4 stars; one submission).

Submission:

GeneDx
Classification: Likely pathogenic. Last evaluated: 2024-11-05. Review status: criteria provided, single submitter. Criteria: GeneDx Variant Classification Process June 2021. Collection method: clinical testing. Allele origin: germline. Affected: yes.
Comment: Not observed in large population cohorts (gnomAD); In silico analysis supports a deleterious effect on splicing

NM_000501.4(ELN):c.2132-7C>A

Gene: ELN (elastin; plus strand). Cytogenetic location: 7q11.23.
Variant type: single nucleotide variant.
Coding change: c.2132-7C>A on transcript NM_000501.4 (MANE Select); 7 bases into the intron before coding-DNA position 2132, C replaced by A.
Molecular consequence: intron variant.
Genome position (GRCh38, 1-based): chr7:74,068,650, C>A. VCF-style: chr7-74068650-C-A. GRCh37 (hg19) VCF-style: chr7-73482980-C-A.
Other names: c.2093-7C>A (NM_001081754.3); c.2036-7C>A (NM_001081753.3); c.2318-7C>A (NM_001278939.2); c.2150-7C>A (NM_001278915.2); c.2078-7C>A (NM_001278912.2); c.2075-7C>A (NM_001081755.3); c.1934-7C>A (NM_001278916.2); c.1889-7C>A (NM_001278913.2); and 4 more.
Identifiers: ClinVar variation 213184 (VCV000213184.3), dbSNP rs782755390, ClinGen allele CA323385.